The following is an entry in ClinVar:

NM_006015.6(ARID1A):c.3478T>C (p.Leu1160=)

Genes: ARID1A (AT-rich interaction domain 1A; plus strand), LOC126805670 (CDK7 strongly-dependent group 2 enhancer GRCh37_chr1:27098665-27099864; plus strand). Cytogenetic location: 1p36.11.
Variant type: single nucleotide variant.
Coding change: c.3478T>C on transcript NM_006015.6 (MANE Select); coding-DNA position 3478, T replaced by C.
Protein change: p.Leu1160=; no amino-acid change (leucine 1160 retained).
Molecular consequence: synonymous variant.
Genome position (GRCh38, 1-based): chr1:26,772,571, T>C. VCF-style: chr1-26772571-T-C. GRCh37 (hg19) VCF-style: chr1-27099062-T-C.
Other names: c.3478T>C, p.Leu1160= (NM_139135.4).
Identifiers: ClinVar variation 4872305 (VCV004872305.2).

ClinVar aggregate classification (germline): Likely benign (1 of 4 stars; one submission).

Submission:

CeGaT Center for Human Genetics Tuebingen
Classification: Likely benign. Last evaluated: 2026-05-01. Review status: criteria provided, single submitter. Criteria: CeGaT Center For Human Genetics Tuebingen Variant Classification Criteria Version 2. Collection method: clinical testing. Allele origin: germline. Affected: yes. Observed: 1 variant allele.
Comment: ARID1A: PM2:Supporting, BP4, BP7